The following is an entry in ClinVar:

ClinVar aggregate classification (germline): Conflicting classifications of pathogenicity. Review status: criteria provided, conflicting classifications (1 of 4 stars). 2 submissions from 2 submitters: Uncertain significance (1); Likely benign (1). Last evaluated 2026-02-01.

Allele frequency attached by ClinVar (database versions not stated): gnomAD exomes 0.00003 and 0.00005; ExAC 0.00005; gnomAD 0.00021 and 0.00023; TOPMed 0.00039; 1000 Genomes Project 0.00060; 1000 Genomes Project 30x 0.00062.
gnomAD v4.1: 76 of 1,614,060 alleles (0.0047%); highest among the groups gnomAD compares: Admixed American, 0.075%; no homozygotes.

Submissions (2):

CeGaT Center for Human Genetics Tuebingen
Classification: Likely benign. Last evaluated: 2026-02-01. Review status: criteria provided, single submitter. Criteria: CeGaT Center For Human Genetics Tuebingen Variant Classification Criteria Version 2. Collection method: clinical testing. Allele origin: germline. Affected: yes. Observed: 1 variant allele.
Comment: MICAL1: BP4

Labcorp Genetics (formerly Invitae), Labcorp
Classification: Uncertain significance. Last evaluated: 2026-01-05. Review status: criteria provided, single submitter. Criteria: Invitae Variant Classification Sherloc (09022015). Collection method: clinical testing. Allele origin: germline.
Comment: This sequence change replaces arginine, which is basic and polar, with cysteine, which is neutral and slightly polar, at codon 679 of the MICAL1 protein (p.Arg679Cys). This variant is present in population databases (rs201879954, gnomAD 0.03%). This variant has not been reported in the literature in individuals affected with MICAL1-related conditions. ClinVar contains an entry for this variant (Variation ID: 1379711). An algorithm developed to predict the effect of missense changes on protein structure and function outputs the following: PolyPhen-2: "Benign". The cysteine amino acid residue is found in multiple mammalian species, which suggests that this missense change does not adversely affect protein function. In summary, the available evidence is currently insufficient to determine the role of this variant in disease. Therefore, it has been classified as a Variant of Uncertain Significance.

NM_022765.4(MICAL1):c.1978C>T (p.Arg660Cys)

Gene: MICAL1 (microtubule associated monooxygenase, calponin and LIM domain containing 1; minus strand). Cytogenetic location: 6q21.
Variant type: single nucleotide variant.
Coding change: c.1978C>T on transcript NM_022765.4 (MANE Select); coding-DNA position 1978, C replaced by T.
Protein change: p.Arg660Cys; replaces arginine 660 with cysteine.
Molecular consequence: missense variant.
Genome position (GRCh38, 1-based): chr6:109,447,689, G>A on the plus strand (C>T on the coding strand, the complement: MICAL1 is on the minus strand). VCF-style: chr6-109447689-G-A. GRCh37 (hg19) VCF-style: chr6-109768892-G-A.
Other names: c.1720C>T, p.Arg574Cys (NM_001159291.2); c.2035C>T, p.Arg679Cys (NM_001286613.2); short protein forms R660C, R574C, R679C.
Identifiers: ClinVar variation 1379711 (VCV001379711.10), dbSNP rs201879954, ClinGen allele CA3953139.